The following is an entry in ClinVar:

NM_198129.4(LAMA3):c.5622_5635del (p.Leu1874fs)

Gene: LAMA3 (laminin subunit alpha 3; plus strand). Cytogenetic location: 18q11.2.
Variant type: Deletion.
Coding change: c.5622_5635del on transcript NM_198129.4 (MANE Select); coding-DNA positions 5622 to 5635, 14 bases deleted (GCTCAACTACCGTT).
Protein change: p.Leu1874fs; shifts the reading frame from leucine 1874.
Molecular consequence: frameshift variant.
Genome position (GRCh38, 1-based): chr18:23,898,746-23,898,759, GCTCAACTACCGTT deleted; deleting any 14 consecutive bases within chr18:23,898,743-23,898,759 gives the same sequence; the c. name uses the placement nearest the transcript's 3' end. VCF-style (leftmost placement, unchanged base first): chr18-23898742-AGTTGCTCAACTACC-A. GRCh37 (hg19) VCF-style: chr18-21478706-AGTTGCTCAACTACC-A.
Other names: c.795_808del, p.Leu265fs (NM_000227.6, NM_001127718.4); c.5622_5635del, p.Leu1874fs (NM_001127717.4); short protein forms L1874fs, L265fs.
Identifiers: ClinVar variation 1069997 (VCV001069997.7), dbSNP rs2145098103, ClinGen allele CA2499225082.
Genomic context (GRCh38, chr18:23,898,742, plus strand): 5'-TGATAGGACTTAGTCTTTATACTGTAAAGTGACATTCATTTGTGTTTTGTTTCCAGAATC[AGTTGCTCAACTACC>A]GTTCTGCCATTTCAAATCATGGATCAAAAATAGAAGGCCTGGAAAGAGAACTGACTGATT-3'

ClinVar aggregate classification (germline): Pathogenic (1 of 4 stars; one submission).

Submission:

Labcorp Genetics (formerly Invitae), Labcorp
Classification: Pathogenic. Last evaluated: 2021-06-24. Review status: criteria provided, single submitter. Criteria: Invitae Variant Classification Sherloc (09022015). Collection method: clinical testing. Allele origin: germline.
Comment: This variant has not been reported in the literature in individuals with LAMA3-related conditions. For these reasons, this variant has been classified as Pathogenic. Loss-of-function variants in LAMA3 are known to be pathogenic (PMID: 10366601, 11810295, 12915477, 16473856, 17362460, 23869449, 28087116). This variant is not present in population databases (ExAC no frequency). This sequence change creates a premature translational stop signal (p.Leu265Phefs*19) in the LAMA3 gene. It is expected to result in an absent or disrupted protein product.

Literature cited by the submitters: PubMed 10366601; PubMed 11810295; PubMed 12915477; PubMed 16473856; PubMed 17362460; PubMed 23869449; PubMed 28087116.